The following is an entry in ClinVar:

ClinVar aggregate classification (germline): Benign. Review status: criteria provided, multiple submitters, no conflicts (2 of 4 stars). 2 submissions from 2 submitters: Benign (2). Last evaluated 2018-06-14.

Allele frequency attached by ClinVar (database versions not stated): 1000 Genomes Project 0.02157; TOPMed 0.03623; gnomAD 0.04061 and 0.04094; 1000 Genomes Project 30x 0.01999.
gnomAD v4.1: 6,124 of 152,180 alleles (4%); highest among the groups gnomAD compares: Non-Finnish European, 6.3%; 188 homozygotes.

Submissions (2):

GeneDx
Classification: Benign. Last evaluated: 2018-06-14. Review status: criteria provided, single submitter. Criteria: GeneDx Variant Classification (06012015). Collection method: clinical testing. Allele origin: germline. Affected: yes.
Comment: This variant is considered likely benign or benign based on one or more of the following criteria: it is a conservative change, it occurs at a poorly conserved position in the protein, it is predicted to be benign by multiple in silico algorithms, and/or has population frequency not consistent with disease.

Breakthrough Genomics
Classification: Benign. Review status: criteria provided, single submitter. Criteria: ACMG Guidelines, 2015. Collection method: not provided. Allele origin: germline. Inheritance: Autosomal recessive inheritance. Affected: yes.

NM_213649.2(SFXN4):c.538-164G>A

Gene: SFXN4 (sideroflexin 4; minus strand). Cytogenetic location: 10q26.11.
Variant type: single nucleotide variant.
Coding change: c.538-164G>A on transcript NM_213649.2 (MANE Select); 164 bases into the intron before coding-DNA position 538, G replaced by A.
Molecular consequence: intron variant.
Genome position (GRCh38, 1-based): chr10:119,156,920, C>T on the plus strand (G>A on the coding strand, the complement: SFXN4 is on the minus strand). VCF-style: chr10-119156920-C-T. GRCh37 (hg19) VCF-style: chr10-120916432-C-T.
Identifiers: ClinVar variation 673170 (VCV000673170.2), dbSNP rs11198806, ClinGen allele CA13313618.